The following is an entry in ClinVar:

ClinVar aggregate classification (germline): Likely benign (1 of 4 stars; one submission).

Allele frequency attached by ClinVar (database versions not stated): gnomAD 0.00004; TOPMed 0.00005; gnomAD exomes 0.00013; 1000 Genomes Project 30x 0.00021; 1000 Genomes Project 0.00026; ExAC 0.00026.
gnomAD v4.1: 157 of 1,194,347 alleles (0.013%); highest among the groups gnomAD compares: South Asian, 0.18%; 2 homozygotes.

Submission:

CeGaT Center for Human Genetics Tuebingen
Classification: Likely benign. Last evaluated: 2023-05-01. Review status: criteria provided, single submitter. Criteria: CeGaT Center For Human Genetics Tuebingen Variant Classification Criteria Version 2. Collection method: clinical testing. Allele origin: germline. Affected: yes. Observed: 1 variant allele.
Comment: PLXNB3: BP4, BS2

NM_005393.3(PLXNB3):c.5G>A (p.Cys2Tyr)

Genes: PLXNB3 (plexin B3; plus strand), PLXNB3-AS1 (PLXNB3 antisense RNA 1; minus strand). Cytogenetic location: Xq28.
Variant type: single nucleotide variant.
Coding change: c.5G>A on transcript NM_005393.3 (MANE Select); coding-DNA position 5, G replaced by A.
Protein change: p.Cys2Tyr; replaces cysteine 2 with tyrosine.
Molecular consequence: missense variant. On other transcripts: 5 prime UTR variant (1).
Genome position (GRCh38, 1-based): chrX:153,765,540, G>A. VCF-style: chrX-153765540-G-A. GRCh37 (hg19) VCF-style: chrX-153030995-G-A.
Other names: c.-93G>A (NM_001163257.2); short protein forms C2Y.
Identifiers: ClinVar variation 2661715 (VCV002661715.24), dbSNP rs781805567, ClinGen allele CA10550448.